The following is an entry in ClinVar:

NM_001009944.3(PKD1):c.8311G>A (p.Glu2771Lys)

Gene: PKD1 (polycystin 1, transient receptor potential channel interacting; minus strand). Cytogenetic location: 16p13.3.
Variant type: single nucleotide variant.
Coding change: c.8311G>A on transcript NM_001009944.3 (MANE Select); coding-DNA position 8311, G replaced by A.
Protein change: p.Glu2771Lys; replaces glutamic acid 2771 with lysine.
Molecular consequence: missense variant.
Genome position (GRCh38, 1-based): chr16:2,103,746, C>T on the plus strand (G>A on the coding strand, the complement: PKD1 is on the minus strand). VCF-style: chr16-2103746-C-T. GRCh37 (hg19) VCF-style: chr16-2153747-C-T.
Other names: c.8311G>A, p.Glu2771Lys (NM_000296.4); short protein forms E2771K.
Identifiers: ClinVar variation 374097 (VCV000374097.81), dbSNP rs1057518897, ClinGen allele CA16043505.

ClinVar aggregate classification (germline): Conflicting classifications of pathogenicity. Review status: criteria provided, conflicting classifications (1 of 4 stars). 29 submissions from 28 submitters: Pathogenic (21); Likely pathogenic (5); Uncertain significance (1). 2 of the submissions do not count toward it. Last evaluated 2026-07-07.

Conditions:
Cystic renal disease.
PKD1-related disorder. Also called: PKD1-related condition.
Autosomal dominant polycystic kidney disease. Identifiers: Orphanet 730, MedGen C0085413, MONDO:0004691.
Polycystic kidney disease, adult type (PKD1). Also called: Polycystic Kidney Disease 1, Autosomal Dominant; Polycystic kidney disease 1; Polycystic kidney disease 1, severe; POLYCYSTIC KIDNEY DISEASE, ADULT, TYPE I; Polycystic Kidney, Autosomal Dominant; POLYCYSTIC KIDNEY DISEASE 1 WITH OR WITHOUT POLYCYSTIC LIVER DISEASE. Identifiers: MedGen C3149841, MONDO:0008263, OMIM 173900.
Polycystic kidney disease. Also called: Polycystic kidney dysplasia; Kidney, Polycystic. Identifiers: MedGen C0022680, MeSH D007690, MONDO:0020642, HP:0000113.
Hypertensive disorder. Also called: Hypertension. Identifiers: MedGen C0020538, MONDO:0005044, HP:0000822.
Multiple renal cysts. Identifiers: MedGen C0431718, HP:0005562.

Allele frequency attached by ClinVar (database versions not stated): gnomAD exomes below 0.00001; gnomAD 0.00001; TOPMed below 0.00001.
gnomAD v4.1: 5 of 1,609,810 alleles (0.00031%); highest among the groups gnomAD compares: Non-Finnish European, 0.00025%; no homozygotes.

Submissions 1 to 12 of 29:

Medgenome Labs Ltd
Classification: Uncertain significance for Polycystic kidney disease, adult type. Last evaluated: 2026-07-07. Review status: criteria provided, single submitter. Criteria: ACMG Guidelines, 2015. Collection method: clinical testing. Allele origin: germline. Affected: yes.

Victorian Clinical Genetics Services, Murdoch Childrens Research Institute
Classification: Pathogenic for Polycystic kidney disease, adult type. Last evaluated: 2026-04-21. Review status: criteria provided, single submitter. Criteria: ACMG Guidelines, 2015. Collection method: clinical testing. Allele origin: germline.
Comment: This variant is classified as Pathogenic. Evidence in support of pathogenic classification: Variant is present in gnomAD (v4) <0.001 for a dominant condition (5 heterozygotes, 0 homozygotes); This variant has strong previous evidence of pathogenicity in unrelated individuals. The variant has previously been reported as pathogenic in multiple families with ADPKD (ClinVar, PMIDs: 11115377, 32381729). Additional information: Variant is predicted to result in a missense amino acid change from Glu to Lys; This variant is heterozygous; This gene is associated with autosomal dominant disease. Polycystic kidney disease 1 (MIM#173900) is predominantly caused by monoallelic variants, with rare reports of biallelic variants causing disease (OMIM); An alternative amino acid change at the same position has been observed in gnomAD (v4) (1 heterozygote, 0 homozygotes); Variant is not located in an established domain, motif, hotspot or informative constraint region; Missense variant with conflicting in silico predictions but very high conservation; Loss of function is a known mechanism of disease in this gene and is associated with polycystic kidney disease 1 (MIM#173900) (ADPKD); Inheritance information for this variant is not currently available in this individual.

PreventionGenetics, part of Exact Sciences
Classification: Pathogenic for PKD1-related condition. Last evaluated: 2026-04-14. Review status: criteria provided, single submitter. Criteria: ACMG Guidelines, 2015. Collection method: clinical testing. Allele origin: germline.
Comment: The PKD1 c.8311G>A variant is predicted to result in the amino acid substitution p.Glu2771Lys. This variant has been repeatedly reported in individuals with autosomal dominant polycystic kidney disease (ADPKD) (see for example, Rossetti et al. 2001. PubMed ID: 11115377; Vouk et al. 2006. PubMed ID: 16430766). In addition, at PreventionGenetics, we have found this variant in many patients tested for PKD (Internal Data). This variant has not been reported in a large population database (gnomAD), indicating this variant is rare. This variant is interpreted as pathogenic.

Genetics Laboratory, Great Ormond Street Hospital NHS Foundation Trust, North Thames Genomic Laboratory Hub
Classification: Likely pathogenic for Cystic renal disease. Last evaluated: 2026-03-07. Review status: criteria provided, single submitter. Criteria: ACGS Best Practice Guidelines for Variant Classification in Rare Disease 2024 v1.2. Collection method: clinical testing. Allele origin: germline. Affected: yes.
Comment: PS4_moderate, PM2_moderate, PP3_supporting, PS3_supporting, PP4_supporting

Medical and Scientific Branch, Hong Kong Genome Institute
Classification: Likely pathogenic for Polycystic kidney disease, adult type. Last evaluated: 2026-01-26. Review status: criteria provided, single submitter. Criteria: ACMG Guidelines, 2015. Collection method: clinical testing. Allele origin: unknown. Affected: yes.

CeGaT Center for Human Genetics Tuebingen
Classification: Pathogenic. Last evaluated: 2025-10-01. Review status: criteria provided, single submitter. Criteria: CeGaT Center For Human Genetics Tuebingen Variant Classification Criteria Version 2. Collection method: clinical testing. Allele origin: germline. Affected: yes. Observed: 6 variant alleles.
Comment: PKD1: PP1:Strong, PS4, PM2, PM5, PS3:Supporting

Women's Health and Genetics/Laboratory Corporation of America, LabCorp
Classification: Pathogenic for Polycystic kidney disease, adult type. Last evaluated: 2025-02-24. Review status: criteria provided, single submitter. Criteria: LabCorp Variant Classification Summary - May 2015. Collection method: clinical testing. Allele origin: germline.
Comment: Variant summary: PKD1 c.8311G>A (p.Glu2771Lys) results in a conservative amino acid change located in the REJ domain (IPR014010) of the encoded protein sequence. Three of five in-silico tools predict a damaging effect of the variant on protein function. The variant was absent in 246760 control chromosomes. c.8311G>A has been reported in the literature in multiple individuals affected with Polycystic Kidney Disease, and the variant was shown to segregate with disesase in at least one family (e.g., Rossetti_2001, Munch_2020). At least two publications report experimental evidence evaluating an impact on protein function (e.g., Qian_2002, Garcia-Gonzalez_2007). The most pronounced variant effect results in inhibitition of cleavage at the GPS domain, which is important for the normal function of polycystin-1 . ClinVar contains an entry for this variant (Variation ID: 374097). Based on the evidence outlined above, the variant was classified as pathogenic.

Laboratory of Genetics, Children's Clinical University Hospital Latvia
Classification: Pathogenic. Last evaluated: 2025-02-16. Review status: criteria provided, single submitter. Criteria: ACMG Guidelines, 2015. Collection method: clinical testing. Allele origin: germline. Affected: yes.

OLLIN Analises Genomicas, OLLIN
Classification: Pathogenic for Polycystic kidney disease, adult type. Last evaluated: 2024-12-23. Review status: criteria provided, single submitter. Criteria: ACMG Guidelines 2015 PMID 25741868. Collection method: clinical testing. Allele origin: germline. Affected: yes. Observed: 1 variant allele.
Comment: The missense variant (chr16:2103746 C>T), located in exon 23 (of 46), is reported in ClinVar (VCV000374097.70) and gnomAD v4.1 non-UKB with an allele frequency of 0.0004%, and described in the scientific literature in individuals with polycystic kidney disease segregating with the phenotype (PMID: 17574468, 27782177, 22333914, 12482949, 32381729, 11115377, 23431072, 24694054, 25333066, 26632257, 27499327). Functional studies suggest that this variant affects protein function (PMID: 23064367, 17574468, 12482949). According to currently available evidence, this variant has been classified as pathogenic (PS3, PS4, PM2_P, PP1).

Blueprint Genetics
Classification: Pathogenic for PKD1-related disorders. Last evaluated: 2024-08-20. Review status: criteria provided, single submitter. Criteria: ACMG Guidelines, 2015. Collection method: clinical testing. Allele origin: germline. Affected: yes. Observed: 5 variant alleles.

Institute of Human Genetics, University of Leipzig Medical Center
Classification: Pathogenic for Polycystic kidney disease, adult type. Last evaluated: 2024-08-06. Review status: criteria provided, single submitter. Criteria: ACMG Guidelines, 2015. Collection method: clinical testing. Allele origin: maternal. Inheritance: Autosomal dominant inheritance. Affected: yes.
Comment: Criteria applied: PS4,PP1_STR,PS3_MOD,PM2_SUP

Molecular Genetics, Royal Melbourne Hospital
Classification: Pathogenic for Autosomal dominant polycystic kidney disease. Last evaluated: 2024-08-05. Review status: criteria provided, single submitter. Criteria: ACMG Guidelines, 2015. Collection method: clinical testing. Allele origin: germline. Inheritance: Autosomal dominant inheritance. Affected: yes.
Comment: This sequence change in PKD1 is predicted to replace glutamic acid with lysine at codon 2771, p.(Glu2771Lys). The glutamic acid residue is highly conserved (100 vertebrates, Multiz Alignments), and is located in the REJ domain. There is a small physicochemical difference between glutamic acid and lysine. The highest population minor allele frequency in the population database gnomAD v4.1 is 0.0003% (3/1,179,636 alleles) in the European (non-Finnish) population, which is consistent with autosomal dominant polycystic kidney disease (ADPKD). This variant has been reported in multiple individuals with a clinical diagnosis of ADPKD, and segregates with disease in multiple families (PMID: 11115377, 23431072, 24694054, 25333066, 26632257, 27499327). The variant has been shown in experimental studies with limited validation to impair the cleavage of Polycystin-1 (PMID: 12482949, 23064367). Computational evidence is uninformative for the missense substitution (REVEL = 0.521). Based on the classification scheme RMH Modified ACMG/AMP Guidelines v1.7.0, this variant is classified as PATHOGENIC. Following criteria are met: PM2_Supporting, PP1_Strong, PS3_Supporting, PS4.